The following is an entry in ClinVar:

ClinVar aggregate classification (germline): Uncertain significance (1 of 4 stars; one submission).

Submission:

CeGaT Center for Human Genetics Tuebingen
Classification: Uncertain significance. Last evaluated: 2023-10-01. Review status: criteria provided, single submitter. Criteria: CeGaT Center For Human Genetics Tuebingen Variant Classification Criteria Version 2. Collection method: clinical testing. Allele origin: germline. Affected: yes. Observed: 1 variant allele.
Comment: USP9Y: PM2, BP4

NM_004654.4(USP9Y):c.5195+3A>G

Gene: USP9Y (ubiquitin specific peptidase 9 Y-linked; plus strand). Cytogenetic location: Yq11.221.
Variant type: single nucleotide variant.
Coding change: c.5195+3A>G on transcript NM_004654.4 (MANE Select); 3 bases into the intron after coding-DNA position 5195, A replaced by G.
Molecular consequence: intron variant.
Genome position (GRCh38, 1-based): chrY:12,833,864, A>G. VCF-style: chrY-12833864-A-G. GRCh37 (hg19) VCF-style: chrY-14945790-A-G.
Identifiers: ClinVar variation 2661888 (VCV002661888.24), dbSNP rs2521727797, ClinGen allele CA2695197206.
Genomic context (GRCh38, chrY:12,833,864, plus strand): 5'-GTAAAGTCCTAGGAGGCTCCTTTGCTGATCAGAAGATCTGCCAAGGCTGCCCACATAGGT[A>G]AGTGCTAATTATGTTTTTAATGTATACTTCGTGTTGTTTTTTTTTTAATAATAGTGTAAA-3'